The following is an entry in ClinVar:

NM_012330.4(KAT6B):c.3652G>C (p.Asp1218His)

Gene: KAT6B (lysine acetyltransferase 6B; plus strand). Cytogenetic location: 10q22.2.
Variant type: single nucleotide variant.
Coding change: c.3652G>C on transcript NM_012330.4 (MANE Select); coding-DNA position 3652, G replaced by C.
Protein change: p.Asp1218His; replaces aspartic acid 1218 with histidine.
Molecular consequence: missense variant.
Genome position (GRCh38, 1-based): chr10:75,025,237, G>C. VCF-style: chr10-75025237-G-C. GRCh37 (hg19) VCF-style: chr10-76784995-G-C.
Other names: c.3652G>C (NM_012330.2); c.3103G>C, p.Asp1035His (NM_001256468.2, NM_001370138.1); c.2776G>C, p.Asp926His (NM_001256469.2, NM_001370139.1, NM_001370140.1 and 2 more transcripts); c.2614G>C, p.Asp872His (NM_001370132.1); c.1963G>C, p.Asp655His (NM_001370133.1); c.1567G>C, p.Asp523His (NM_001370134.1); c.1309G>C, p.Asp437His (NM_001370135.1); c.3652G>C, p.Asp1218His (NM_001370136.1, NM_001370137.1); and 1 more; short protein forms D1035H, D1218H, D437H, D523H, D655H, D863H, D872H, D926H.
Identifiers: ClinVar variation 1684084 (VCV001684084.6), dbSNP rs375059527, ClinGen allele CA5564862.

ClinVar aggregate classification (germline): Conflicting classifications of pathogenicity. Review status: criteria provided, conflicting classifications (1 of 4 stars). 4 submissions from 4 submitters: Uncertain significance (2); Likely benign (2). Last evaluated 2026-06-05.

Conditions:
Inborn genetic diseases. Identifiers: MedGen C0950123, MeSH D030342.
Genitopatellar syndrome (GTPTS). Also called: Genitopatellar syndrome (GPS); ABSENT PATELLAE, SCROTAL HYPOPLASIA, RENAL ANOMALIES, FACIAL DYSMORPHISM, AND MENTAL RETARDATION. Identifiers: Orphanet 85201, MedGen C1853566, MONDO:0011640, OMIM 606170.

Allele frequency attached by ClinVar (database versions not stated): gnomAD exomes 0.00002 and 0.00001; gnomAD 0.00011; TOPMed 0.00012; ExAC 0.00004; ESP Exome Variant Server 0.00023.
gnomAD v4.1: 26 of 1,613,962 alleles (0.0016%); highest among the groups gnomAD compares: African/African-American, 0.031%; no homozygotes.

Submissions (4):

Women's Health and Genetics/Laboratory Corporation of America, LabCorp
Classification: Uncertain significance. Last evaluated: 2026-06-05. Review status: criteria provided, single submitter. Criteria: LabCorp Variant Classification Summary - May 2015. Collection method: clinical testing. Allele origin: germline.
Comment: Variant summary: KAT6B c.3652G>C (p.Asp1218His) results in a non-conservative amino acid change in the encoded protein sequence. Algorithms developed to predict the effect of missense changes on protein structure and function are either unavailable or do not agree on the potential impact of this missense change. The variant allele was found at a frequency of 1.6e-05 in 250958 control chromosomes. The available data on variant occurrences in the general population are insufficient to allow any conclusion about variant significance. To our knowledge, no occurrence of c.3652G>C in individuals affected with KAT6B-related conditions and no experimental evidence demonstrating its impact on protein function have been reported. ClinVar contains an entry for this variant (Variation ID: 1684084). Based on the evidence outlined above, the variant was classified as uncertain significance.

Labcorp Genetics (formerly Invitae), Labcorp
Classification: Uncertain significance for Genitopatellar syndrome. Last evaluated: 2025-06-12. Review status: criteria provided, single submitter. Criteria: Invitae Variant Classification Sherloc (09022015). Collection method: clinical testing. Allele origin: germline.
Comment: This sequence change replaces aspartic acid, which is acidic and polar, with histidine, which is basic and polar, at codon 1218 of the KAT6B protein (p.Asp1218His). This variant is present in population databases (rs375059527, gnomAD 0.04%). This variant has not been reported in the literature in individuals affected with KAT6B-related conditions. ClinVar contains an entry for this variant (Variation ID: 1684084). Invitae Evidence Modeling of protein sequence and biophysical properties (such as structural, functional, and spatial information, amino acid conservation, physicochemical variation, residue mobility, and thermodynamic stability) indicates that this missense variant is not expected to disrupt KAT6B protein function with a negative predictive value of 80%. In summary, the available evidence is currently insufficient to determine the role of this variant in disease. Therefore, it has been classified as a Variant of Uncertain Significance.

Ambry Genetics
Classification: Likely benign for Inborn genetic diseases. Last evaluated: 2024-02-14. Review status: criteria provided, single submitter. Criteria: Ambry Variant Classification Scheme 2023. Collection method: clinical testing. Allele origin: germline.

GeneDx
Classification: Likely benign. Last evaluated: 2021-06-08. Review status: criteria provided, single submitter. Criteria: GeneDx Variant Classification Process June 2021. Collection method: clinical testing. Allele origin: germline. Affected: yes.
Comment: See Variant Classification Assertion Criteria.